The following is an entry in ClinVar:

ClinVar aggregate classification (germline): Uncertain significance (1 of 4 stars; one submission).

Allele frequency attached by ClinVar (database versions not stated): gnomAD exomes 0.00001; TOPMed 0.00001.

Submission:

Labcorp Genetics (formerly Invitae), Labcorp
Classification: Uncertain significance. Last evaluated: 2022-04-29. Review status: criteria provided, single submitter. Criteria: Invitae Variant Classification Sherloc (09022015). Collection method: clinical testing. Allele origin: germline.
Comment: This sequence change replaces leucine, which is neutral and non-polar, with proline, which is neutral and non-polar, at codon 1956 of the DNAH9 protein (p.Leu1956Pro). This variant is present in population databases (no rsID available, gnomAD 0.003%). This variant has not been reported in the literature in individuals affected with DNAH9-related conditions. Algorithms developed to predict the effect of missense changes on protein structure and function are either unavailable or do not agree on the potential impact of this missense change (SIFT: "Deleterious"; PolyPhen-2: "Probably Damaging"; Align-GVGD: "Class C0"). In summary, the available evidence is currently insufficient to determine the role of this variant in disease. Therefore, it has been classified as a Variant of Uncertain Significance.

NM_001372.4(DNAH9):c.5867T>C (p.Leu1956Pro)

Gene: DNAH9 (dynein axonemal heavy chain 9; plus strand). Cytogenetic location: 17p12.
Variant type: single nucleotide variant.
Coding change: c.5867T>C on transcript NM_001372.4 (MANE Select); coding-DNA position 5867, T replaced by C.
Protein change: p.Leu1956Pro; replaces leucine 1956 with proline.
Molecular consequence: missense variant.
Genome position (GRCh38, 1-based): chr17:11,738,932, T>C. VCF-style: chr17-11738932-T-C. GRCh37 (hg19) VCF-style: chr17-11642249-T-C.
Other names: short protein forms L1956P.
Identifiers: ClinVar variation 1941704 (VCV001941704.2), dbSNP rs1220780541, ClinGen allele CA398190647.
Genomic context (GRCh38, chr17:11,738,932, plus strand): 5'-TTCACCAGGTAAAAAGCATTCAAGATGCGATTAGAGATAAGAAGCAGTGGTTCAGCTTCC[T>C]TGGGGAGGAGATCAGCCTGAATCCTTCTGTCGGTATCTTCATCACCATGAACCCAGGCTA-3'
Protein context (NP_001363.2, residues 1946-1966): IRDKKQWFSF[Leu1956Pro]GEEISLNPSV